The following is an entry in ClinVar:

NM_001130438.3(SPTAN1):c.2796C>T (p.His932=)

Gene: SPTAN1 (spectrin alpha, non-erythrocytic 1; plus strand). Cytogenetic location: 9q34.11.
Variant type: single nucleotide variant.
Coding change: c.2796C>T on transcript NM_001130438.3 (MANE Select); coding-DNA position 2796, C replaced by T.
Protein change: p.His932=; no amino-acid change (histidine 932 retained).
Molecular consequence: synonymous variant.
Genome position (GRCh38, 1-based): chr9:128,587,623, C>T. VCF-style: chr9-128587623-C-T. GRCh37 (hg19) VCF-style: chr9-131349902-C-T.
Other names: c.2796C>T, p.His932= (NM_001195532.2, NM_001363759.2, NM_001363765.2 and 1 more transcripts).
Identifiers: ClinVar variation 381139 (VCV000381139.35), dbSNP rs755933560, ClinGen allele CA5264731.

ClinVar aggregate classification (germline): Likely benign. Review status: criteria provided, multiple submitters, no conflicts (2 of 4 stars). 3 submissions from 3 submitters: Likely benign (3). Last evaluated 2024-08-12.

Conditions:
Early-infantile DEE. Also called: Ohtahara syndrome; Early infantile epileptic encephalopathy with suppression bursts; Early infantile epileptic encephalopathy. Identifiers: Orphanet 1934, MedGen C0393706, MONDO:0800491.

Allele frequency attached by ClinVar (database versions not stated): ExAC 0.00001; gnomAD exomes 0.00002; TOPMed 0.00002.
gnomAD v4.1: 37 of 1,613,718 alleles (0.0023%); highest among the groups gnomAD compares: East Asian, 0.0045%; no homozygotes.

Submissions (3):

Labcorp Genetics (formerly Invitae), Labcorp
Classification: Likely benign for Early-infantile DEE. Last evaluated: 2024-08-12. Review status: criteria provided, single submitter. Criteria: Invitae Variant Classification Sherloc (09022015). Collection method: clinical testing. Allele origin: germline.

CeGaT Center for Human Genetics Tuebingen
Classification: Likely benign. Last evaluated: 2022-05-01. Review status: criteria provided, single submitter. Criteria: CeGaT Center For Human Genetics Tuebingen Variant Classification Criteria Version 2. Collection method: clinical testing. Allele origin: germline. Affected: yes. Observed: 1 variant allele.
Comment: SPTAN1: BP4, BP7

GeneDx
Classification: Likely benign. Last evaluated: 2019-07-11. Review status: criteria provided, single submitter. Criteria: GeneDx Variant Classification Process June 2021. Collection method: clinical testing. Allele origin: germline. Affected: yes.